The following is an entry in ClinVar:

NM_000059.4(BRCA2):c.1012G>T (p.Ala338Ser)

Gene: BRCA2 (BRCA2 DNA repair associated; plus strand). Cytogenetic location: 13q13.1.
Variant type: single nucleotide variant.
Coding change: c.1012G>T on transcript NM_000059.4 (MANE Select); coding-DNA position 1012, G replaced by T.
Protein change: p.Ala338Ser; replaces alanine 338 with serine.
Molecular consequence: missense variant.
Genome position (GRCh38, 1-based): chr13:32,332,490, G>T. VCF-style: chr13-32332490-G-T. GRCh37 (hg19) VCF-style: chr13-32906627-G-T.
Other names: short protein forms A338S.
Identifiers: ClinVar variation 441523 (VCV000441523.12), dbSNP rs80358396, ClinGen allele CA387761095.
Genomic context (GRCh38, chr13:32,332,490, plus strand): 5'-AAAAATCTACAAAAAGTAAGAACTAGCAAGACTAGGAAAAAAATTTTCCATGAAGCAAAC[G>T]CTGATGAATGTGAAAAATCTAAAAACCAAGTGAAAGAAAAATACTCATTTGTATCTGAAG-3'
Protein context (NP_000050.3, residues 328-348): TRKKIFHEAN[Ala338Ser]DECEKSKNQV

ClinVar aggregate classification (germline): Conflicting classifications of pathogenicity. Review status: criteria provided, conflicting classifications (1 of 4 stars). 3 submissions from 3 submitters: Uncertain significance (1); Likely benign (2). Last evaluated 2025-10-03.

Conditions:
Hereditary cancer-predisposing syndrome. Also called: Hereditary Cancer Syndrome; Hereditary neoplastic syndrome; Neoplastic Syndromes, Hereditary; Tumor predisposition. Identifiers: Orphanet 140162, MedGen C0027672, MeSH D009386, MONDO:0015356.
Hereditary breast ovarian cancer syndrome. Also called: Hereditary breast and ovarian cancer; Breast and ovarian cancer; Hereditary breast and ovarian cancer syndrome; Hereditary breast and/or ovarian cancer syndrome; BRCA1- and BRCA2-Associated Hereditary Breast and Ovarian Cancer; Hereditary breast and ovarian cancer syndrome (HBOC). Identifiers: Orphanet 145, MedGen C0677776, MeSH D061325, MONDO:0003582. Disease mechanism: loss of function.

Submissions (3):

Ambry Genetics
Classification: Likely benign for Hereditary cancer-predisposing syndrome. Last evaluated: 2025-10-03. Review status: criteria provided, single submitter. Criteria: Ambry Variant Classification Scheme 2023. Collection method: clinical testing. Allele origin: germline.

Labcorp Genetics (formerly Invitae), Labcorp
Classification: Uncertain significance for Hereditary breast ovarian cancer syndrome. Last evaluated: 2023-08-23. Review status: criteria provided, single submitter. Criteria: Invitae Variant Classification Sherloc (09022015). Collection method: clinical testing. Allele origin: germline.
Comment: This sequence change replaces alanine, which is neutral and non-polar, with serine, which is neutral and polar, at codon 338 of the BRCA2 protein (p.Ala338Ser). This variant is not present in population databases (gnomAD no frequency). This variant has not been reported in the literature in individuals affected with BRCA2-related conditions. ClinVar contains an entry for this variant (Variation ID: 441523). Advanced modeling of protein sequence and biophysical properties (such as structural, functional, and spatial information, amino acid conservation, physicochemical variation, residue mobility, and thermodynamic stability) performed at Invitae indicates that this missense variant is not expected to disrupt BRCA2 protein function. In summary, the available evidence is currently insufficient to determine the role of this variant in disease. Therefore, it has been classified as a Variant of Uncertain Significance.

University of Washington Department of Laboratory Medicine, University of Washington
Classification: Likely benign for Hereditary cancer-predisposing syndrome. Last evaluated: 2023-03-23. Review status: criteria provided, single submitter. Criteria: Dines et al. (Genet Med. 2020). Collection method: curation. Allele origin: germline.
Comment: Missense variant in a coldspot region where missense variants are very unlikely to be pathogenic (PMID:31911673).

BRCA2 exon 10 coldspot. Reclassification based on statistical prior probability.